The following is an entry in ClinVar:

ClinVar aggregate classification (germline): Likely benign (1 of 4 stars; one submission).

Submission:

GeneDx
Classification: Likely benign. Last evaluated: 2018-10-09. Review status: criteria provided, single submitter. Criteria: GeneDx Variant Classification Process June 2021. Collection method: clinical testing. Allele origin: germline. Affected: yes.
Comment: This variant is associated with the following publications: (PMID: 29649263)

NM_007194.4(CHEK2):c.845_846+36dup

Gene: CHEK2 (checkpoint kinase 2; minus strand). Cytogenetic location: 22q12.1.
Variant type: Duplication.
Coding change: c.845_846+36dup on transcript NM_007194.4 (MANE Select); coding-DNA position 845 through 36 bases into the intron after coding-DNA position 846, 38 bases duplicated.
Molecular consequence: splice donor variant.
Genome position (GRCh38, 1-based): chr22:28,709,970-28,710,007, 38 bases duplicated; duplicating any 38 consecutive bases within chr22:28,709,970-28,710,010 gives the same sequence; the c. name uses the placement nearest the transcript's 3' end. GRCh37 (hg19): chr22:29,105,961-29,105,998.
Other names: c.182_183+36dup (NM_001437942.1, NM_001257387.3); c.644_645+36dup (NM_001349956.3); c.845_846+36dup (NM_145862.3); c.938_939+36dup (NM_001438295.1, NM_001438293.1); c.974_975+36dup (NM_001438294.1, NM_001005735.3); c.845_846+36dupATGTAAGTATTATTATATGACTCATACTTAGATTTATC (NM_007194.3).
Identifiers: ClinVar variation 420220 (VCV000420220.2), dbSNP rs1064794357, ClinGen allele CA16621068.